The following is an entry in ClinVar:

NM_020822.3(KCNT1):c.1150G>T (p.Asp384Tyr)

Gene: KCNT1 (potassium sodium-activated channel subfamily T member 1; plus strand). Cytogenetic location: 9q34.3.
Variant type: single nucleotide variant.
Coding change: c.1150G>T on transcript NM_020822.3 (MANE Select); coding-DNA position 1150, G replaced by T.
Protein change: p.Asp384Tyr; replaces aspartic acid 384 with tyrosine.
Molecular consequence: missense variant.
Genome position (GRCh38, 1-based): chr9:135,765,145, G>T. VCF-style: chr9-135765145-G-T. GRCh37 (hg19) VCF-style: chr9-138656991-G-T.
Other names: c.1015G>T, p.Asp339Tyr (NM_001272003.2); short protein forms D384Y, D339Y.
Identifiers: ClinVar variation 2102489 (VCV002102489.4), dbSNP rs762752381, ClinGen allele CA375500330.

ClinVar aggregate classification (germline): Uncertain significance (1 of 4 stars; one submission).

Conditions:
Autosomal dominant nocturnal frontal lobe epilepsy 5. Also called: CILIARY DYSKINESIA, PRIMARY, 28, WITHOUT SITUS INVERSUS; CILIARY DYSKINESIA, PRIMARY, 28, WITH SITUS INVERSUS; Epilepsy, nocturnal frontal lobe, 5; KCNT1-Related Epilepsy. Identifiers: Orphanet 98784, MedGen C3554306, MONDO:0014002, OMIM 615005.
Developmental and epileptic encephalopathy, 14 (DEE14). Also called: Early infantile epileptic encephalopathy 14. Identifiers: Orphanet 293181, MedGen C3554195, MONDO:0013989, OMIM 614959.

Submission:

Labcorp Genetics (formerly Invitae), Labcorp
Classification: Uncertain significance for Autosomal dominant nocturnal frontal lobe epilepsy 5; Developmental and epileptic encephalopathy, 14. Last evaluated: 2022-02-23. Review status: criteria provided, single submitter. Criteria: Invitae Variant Classification Sherloc (09022015). Collection method: clinical testing. Allele origin: germline.
Comment: In summary, the available evidence is currently insufficient to determine the role of this variant in disease. Therefore, it has been classified as a Variant of Uncertain Significance. Advanced modeling of protein sequence and biophysical properties (such as structural, functional, and spatial information, amino acid conservation, physicochemical variation, residue mobility, and thermodynamic stability) performed at Invitae indicates that this missense variant is expected to disrupt KCNT1 protein function. This variant has not been reported in the literature in individuals affected with KCNT1-related conditions. This variant is not present in population databases (gnomAD no frequency). This sequence change replaces aspartic acid, which is acidic and polar, with tyrosine, which is neutral and polar, at codon 384 of the KCNT1 protein (p.Asp384Tyr).